The following is an entry in ClinVar:

ClinVar aggregate classification (germline): Uncertain significance. Review status: criteria provided, multiple submitters, no conflicts (2 of 4 stars). 2 submissions from 2 submitters: Uncertain significance (2). Last evaluated 2025-02-24.

Conditions:
Neutral 1 amino acid transport defect (HND). Also called: Hartnup disease; HARTNUP DISORDER. Identifiers: Orphanet 2116, MedGen C0018609, MONDO:0009324, OMIM 234500.

Allele frequency attached by ClinVar (database versions not stated): gnomAD exomes 0.00001; ExAC 0.00004; ESP Exome Variant Server 0.00015; TOPMed 0.00025.
gnomAD v4.1: 40 of 1,613,718 alleles (0.0025%); highest among the groups gnomAD compares: African/African-American, 0.049%; no homozygotes.

Submissions (2):

Labcorp Genetics (formerly Invitae), Labcorp
Classification: Uncertain significance. Last evaluated: 2025-02-24. Review status: criteria provided, single submitter. Criteria: Invitae Variant Classification Sherloc (09022015). Collection method: clinical testing. Allele origin: germline.
Comment: This sequence change replaces proline, which is neutral and non-polar, with serine, which is neutral and polar, at codon 351 of the SLC6A19 protein (p.Pro351Ser). This variant is present in population databases (rs374559483, gnomAD 0.07%). This variant has not been reported in the literature in individuals affected with SLC6A19-related conditions. ClinVar contains an entry for this variant (Variation ID: 2194257). Invitae Evidence Modeling of protein sequence and biophysical properties (such as structural, functional, and spatial information, amino acid conservation, physicochemical variation, residue mobility, and thermodynamic stability) indicates that this missense variant is not expected to disrupt SLC6A19 protein function with a negative predictive value of 80%. In summary, the available evidence is currently insufficient to determine the role of this variant in disease. Therefore, it has been classified as a Variant of Uncertain Significance.

Fulgent Genetics
Classification: Uncertain significance for Neutral 1 amino acid transport defect. Last evaluated: 2024-06-05. Review status: criteria provided, single submitter. Criteria: ACMG Guidelines, 2015. Collection method: clinical testing. Allele origin: germline.

NM_001003841.3(SLC6A19):c.1051C>T (p.Pro351Ser)

Gene: SLC6A19 (solute carrier family 6 member 19; plus strand). Cytogenetic location: 5p15.33.
Variant type: single nucleotide variant.
Coding change: c.1051C>T on transcript NM_001003841.3 (MANE Select); coding-DNA position 1051, C replaced by T.
Protein change: p.Pro351Ser; replaces proline 351 with serine.
Molecular consequence: missense variant.
Genome position (GRCh38, 1-based): chr5:1,216,823, C>T. VCF-style: chr5-1216823-C-T. GRCh37 (hg19) VCF-style: chr5-1216938-C-T.
Other names: short protein forms P351S.
Identifiers: ClinVar variation 2194257 (VCV002194257.3), dbSNP rs374559483, ClinGen allele CA3183023.
Genomic context (GRCh38, chr5:1,216,823, plus strand): 5'-GCCGTCAGCCTCAATCTGACCCGCAGGAACATCCTGACCCTCATCAACGGGTTCGACCTG[C>T]CTGAAGGCAACGTGACCCAGGAGAACTTTGTGGACATGCAGCAGCGGTGCAACGCCTCCG-3'
Protein context (NP_001003841.1, residues 341-361): ILTLINGFDL[Pro351Ser]EGNVTQENFV